The following is an entry in ClinVar:

NM_000368.5(TSC1):c.1195_1196delinsTG (p.Pro399Ter)

Gene: TSC1 (TSC complex subunit 1; minus strand). Cytogenetic location: 9q34.13.
Variant type: Indel.
Coding change: c.1195_1196delinsTG on transcript NM_000368.5 (MANE Select); coding-DNA positions 1195 to 1196, CC replaced by TG.
Protein change: p.Pro399Ter; replaces proline 399 with a stop codon.
Molecular consequence: nonsense.
Genome position (GRCh38, 1-based): chr9:132,910,638-132,910,639, GG replaced by CA on the plus strand (CC replaced by TG on the coding strand, the reverse complement: TSC1 is on the minus strand). VCF-style: chr9-132910638-GG-CA. GRCh37 (hg19) VCF-style: chr9-135786025-GG-CA.
Other names: c.1192_1193delinsTG, p.Pro398Ter (NM_001162426.2); c.1042_1043delinsTG, p.Pro348Ter (NM_001162427.2); c.832_833delinsTG, p.Pro278Ter (NM_001362177.2); c.1195_1196delCCinsTG, p.Pro399Ter (NM_001406592.1, NM_001406593.1, NM_001406594.1 and 7 more transcripts); c.1192_1193delCCinsTG, p.Pro398Ter (NM_001406597.1, NM_001406598.1, NM_001406599.1 and 5 more transcripts); c.1042_1043delCCinsTG, p.Pro348Ter (NM_001406610.1); c.1039_1040delCCinsTG, p.Pro347Ter (NM_001406611.1, NM_001406612.1, NM_001406613.1); c.832_833delCCinsTG, p.Pro278Ter (NM_001406614.1, NM_001406615.1, NM_001406616.1 and 4 more transcripts); and 4 more; short protein forms P278*, P398*, P399*, P82*, P277*, P347*, P348*, P48*.
Identifiers: ClinVar variation 1745728 (VCV001745728.2), dbSNP rs2538834207, ClinGen allele CA2580079986.

ClinVar aggregate classification (germline): Pathogenic (1 of 4 stars; one submission).

Conditions:
Hereditary cancer-predisposing syndrome. Also called: Hereditary Cancer Syndrome; Neoplastic Syndromes, Hereditary; Tumor predisposition; Hereditary neoplastic syndrome. Identifiers: Orphanet 140162, MedGen C0027672, MeSH D009386, MONDO:0015356.

Submission:

Ambry Genetics
Classification: Pathogenic for Hereditary cancer-predisposing syndrome. Last evaluated: 2018-05-08. Review status: criteria provided, single submitter. Criteria: Ambry Variant Classification Scheme 2023. Collection method: clinical testing. Allele origin: germline.
Comment: The p.P399* pathogenic mutation (also known as c.1195_1196delCCinsTG), located in coding exon 10 of the TSC1 gene, results from an in-frame deletion of CC and insertion of TG at nucleotide positions 1195 to 1196. This changes the amino acid from a proline to a stop codon at codon 399. This alteration is expected to result in loss of function by premature protein truncation or nonsense-mediated mRNA decay. As such, this alteration is interpreted as a disease-causing mutation.